The following is an entry in ClinVar:

NM_138713.4(NFAT5):c.4573A>G (p.Thr1525Ala)

Gene: NFAT5 (nuclear factor of activated T cells 5; plus strand). Cytogenetic location: 16q22.1.
Variant type: single nucleotide variant.
Coding change: c.4573A>G on transcript NM_138713.4 (MANE Select); coding-DNA position 4573, A replaced by G.
Protein change: p.Thr1525Ala; replaces threonine 1525 with alanine.
Molecular consequence: missense variant.
Genome position (GRCh38, 1-based): chr16:69,695,294, A>G. VCF-style: chr16-69695294-A-G. GRCh37 (hg19) VCF-style: chr16-69729197-A-G.
Other names: c.4570A>G, p.Thr1524Ala (NM_001113178.3); c.3898A>G, p.Thr1300Ala (NM_001367709.1); c.4519A>G, p.Thr1507Ala (NM_006599.4); c.4291A>G, p.Thr1431Ala (NM_138714.4, NM_173214.3, NM_173215.3); c.4573A>G (NM_138713.3); short protein forms T1300A, T1507A, T1525A, T1524A, T1431A.
Identifiers: ClinVar variation 854565 (VCV000854565.11), dbSNP rs150303079, ClinGen allele CA8136083.
Genomic context (GRCh38, chr16:69,695,294, plus strand): 5'-GTGACAACACTTCTTTCTCAGCAAATGCCAGAGAATTCTCCACTGGCATCCTCTATAAAC[A>G]CCAACCAGAACATCGAAAAGATTGATTTGCTTGTTTCATTGCAAAACCAAGGGAACAACT-3'
Protein context (NP_619727.2, residues 1515-1535): ENSPLASSIN[Thr1525Ala]NQNIEKIDLL

ClinVar aggregate classification (germline): Uncertain significance. Review status: criteria provided, multiple submitters, no conflicts (2 of 4 stars). 2 submissions from 2 submitters: Uncertain significance (2). Last evaluated 2024-11-25.

Conditions:
Immunodeficiency. Identifiers: MedGen C0021051, MONDO:0021094, HP:0002721.

Allele frequency attached by ClinVar (database versions not stated): gnomAD exomes below 0.00001 and 0.00001; ExAC 0.00001; gnomAD 0.00006; TOPMed 0.00006; ESP Exome Variant Server 0.00008.
gnomAD v4.1: 16 of 1,614,108 alleles (0.00099%); highest among the groups gnomAD compares: African/African-American, 0.017%; no homozygotes.

Submissions (2):

Labcorp Genetics (formerly Invitae), Labcorp
Classification: Uncertain significance for Immunodeficiency. Last evaluated: 2024-11-25. Review status: criteria provided, single submitter. Criteria: Invitae Variant Classification Sherloc (09022015). Collection method: clinical testing. Allele origin: germline.
Comment: This sequence change replaces threonine, which is neutral and polar, with alanine, which is neutral and non-polar, at codon 1431 of the NFAT5 protein (p.Thr1431Ala). This variant is present in population databases (rs150303079, gnomAD 0.02%). This variant has not been reported in the literature in individuals affected with NFAT5-related conditions. ClinVar contains an entry for this variant (Variation ID: 854565). An algorithm developed to predict the effect of missense changes on protein structure and function outputs the following: PolyPhen-2: "Benign". The alanine amino acid residue is found in multiple mammalian species, which suggests that this missense change does not adversely affect protein function. In summary, the available evidence is currently insufficient to determine the role of this variant in disease. Therefore, it has been classified as a Variant of Uncertain Significance.

Ambry Genetics
Classification: Uncertain significance. Last evaluated: 2023-06-06. Review status: criteria provided, single submitter. Criteria: Ambry Variant Classification Scheme 2023. Collection method: clinical testing. Allele origin: germline.